The following is an entry in ClinVar:

NM_172341.4(PSENEN):c.256G>T (p.Gly86Cys)

Gene: PSENEN (presenilin enhancer, gamma-secretase subunit; plus strand). Cytogenetic location: 19q13.12.
Variant type: single nucleotide variant.
Coding change: c.256G>T on transcript NM_172341.4 (MANE Select); coding-DNA position 256, G replaced by T.
Protein change: p.Gly86Cys; replaces glycine 86 with cysteine.
Molecular consequence: missense variant.
Genome position (GRCh38, 1-based): chr19:35,746,797, G>T. VCF-style: chr19-35746797-G-T. GRCh37 (hg19) VCF-style: chr19-36237698-G-T.
Other names: c.256G>T, p.Gly86Cys (NM_001281532.3); c.256G>T (NM_172341.1); short protein forms G86C.
Identifiers: ClinVar variation 1368598 (VCV001368598.9), dbSNP rs775266605, ClinGen allele CA9387071.

ClinVar aggregate classification (germline): Uncertain significance. Review status: criteria provided, multiple submitters, no conflicts (2 of 4 stars). 2 submissions from 2 submitters: Uncertain significance (2). Last evaluated 2024-08-05.

Allele frequency attached by ClinVar (database versions not stated): gnomAD 0.00001; ExAC 0.00002; gnomAD exomes 0.00002; TOPMed 0.00002.
gnomAD v4.1: 33 of 1,613,832 alleles (0.002%); highest among the groups gnomAD compares: Non-Finnish European, 0.00017%; no homozygotes.

Submissions (2):

Ambry Genetics
Classification: Uncertain significance. Last evaluated: 2024-08-05. Review status: criteria provided, single submitter. Criteria: Ambry Variant Classification Scheme 2023. Collection method: clinical testing. Allele origin: germline.

Labcorp Genetics (formerly Invitae), Labcorp
Classification: Uncertain significance. Last evaluated: 2023-04-12. Review status: criteria provided, single submitter. Criteria: Invitae Variant Classification Sherloc (09022015). Collection method: clinical testing. Allele origin: germline.
Comment: This sequence change replaces glycine, which is neutral and non-polar, with cysteine, which is neutral and slightly polar, at codon 86 of the PSENEN protein (p.Gly86Cys). This variant is present in population databases (rs775266605, gnomAD 0.06%). This variant has not been reported in the literature in individuals affected with PSENEN-related conditions. ClinVar contains an entry for this variant (Variation ID: 1368598). An algorithm developed to predict the effect of missense changes on protein structure and function (PolyPhen-2) suggests that this variant is likely to be disruptive. In summary, the available evidence is currently insufficient to determine the role of this variant in disease. Therefore, it has been classified as a Variant of Uncertain Significance.